The following is an entry in ClinVar:

ClinVar aggregate classification (germline): Pathogenic (1 of 4 stars; one submission).

Conditions:
Hereditary cancer-predisposing syndrome. Also called: Hereditary neoplastic syndrome; Tumor predisposition; Hereditary Cancer Syndrome; Neoplastic Syndromes, Hereditary. Identifiers: Orphanet 140162, MedGen C0027672, MeSH D009386, MONDO:0015356.

Submission:

Ambry Genetics
Classification: Pathogenic for Hereditary cancer-predisposing syndrome. Last evaluated: 2023-06-15. Review status: criteria provided, single submitter. Criteria: Ambry Variant Classification Scheme 2023. Collection method: clinical testing. Allele origin: germline.
Comment: The c.1899delT pathogenic mutation, located in coding exon 9 of the BRCA2 gene, results from a deletion of one nucleotide at nucleotide position 1899, causing a translational frameshift with a predicted alternate stop codon (p.N633Kfs*11). This variant is considered to be rare based on population cohorts in the Genome Aggregation Database (gnomAD). This alteration is expected to result in loss of function by premature protein truncation or nonsense-mediated mRNA decay. As such, this alteration is interpreted as a disease-causing mutation.

NM_000059.4(BRCA2):c.1899del (p.Asn633fs)

Gene: BRCA2 (BRCA2 DNA repair associated; plus strand). Cytogenetic location: 13q13.1.
Variant type: Deletion.
Coding change: c.1899del on transcript NM_000059.4 (MANE Select); coding-DNA position 1899, one base deleted (T; older notation c.1899delT).
Protein change: p.Asn633fs; shifts the reading frame from asparagine 633.
Molecular consequence: frameshift variant. On other transcripts: non-coding transcript variant (1), intron variant (1).
Genome position (GRCh38, 1-based): chr13:32,333,377, T deleted. VCF-style (leftmost placement, unchanged base first): chr13-32333376-AT-A. GRCh37 (hg19) VCF-style: chr13-32907513-AT-A.
Other names: c.1899del, p.Asn633fs (NM_001406719.1, NM_001406720.1, NM_001406721.1); c.424+2347del (NM_001406722.1); short protein forms N633fs.
Identifiers: ClinVar variation 2586260 (VCV002586260.2), dbSNP rs2548521291, ClinGen allele CA2582341842.